The following is an entry in ClinVar:

NM_006904.7(PRKDC):c.1976G>A (p.Arg659Lys)

Gene: PRKDC (protein kinase, DNA-activated, catalytic subunit; minus strand). Cytogenetic location: 8q11.21.
Variant type: single nucleotide variant.
Coding change: c.1976G>A on transcript NM_006904.7 (MANE Select); coding-DNA position 1976, G replaced by A.
Protein change: p.Arg659Lys; replaces arginine 659 with lysine.
Molecular consequence: missense variant.
Genome position (GRCh38, 1-based): chr8:47,929,929, C>T on the plus strand (G>A on the coding strand, the complement: PRKDC is on the minus strand). VCF-style: chr8-47929929-C-T. GRCh37 (hg19) VCF-style: chr8-48842489-C-T.
Other names: c.1976G>A, p.Arg659Lys (NM_001081640.2); short protein forms R659K.
Identifiers: ClinVar variation 2626346 (VCV002626346.2), dbSNP rs2551878623, ClinGen allele CA371164240.

ClinVar aggregate classification (germline): Uncertain significance (1 of 4 stars; one submission).

Submission:

Ambry Genetics
Classification: Uncertain significance. Last evaluated: 2023-07-27. Review status: criteria provided, single submitter. Criteria: Ambry Variant Classification Scheme 2023. Collection method: clinical testing. Allele origin: germline.
Comment: The p.R659K variant (also known as c.1976G>A), located in coding exon 18 of the PRKDC gene, results from a G to A substitution at nucleotide position 1976. The arginine at codon 659 is replaced by lysine, an amino acid with highly similar properties. This amino acid position is conserved. In addition, this alteration is predicted to be tolerated by in silico analysis. Since supporting evidence is limited at this time, the clinical significance of this alteration remains unclear.